The following is an entry in ClinVar:

NM_000384.3(APOB):c.4471A>G (p.Arg1491Gly)

Gene: APOB (apolipoprotein B; minus strand). Cytogenetic location: 2p24.1.
Variant type: single nucleotide variant.
Coding change: c.4471A>G on transcript NM_000384.3 (MANE Select); coding-DNA position 4471, A replaced by G.
Protein change: p.Arg1491Gly; replaces arginine 1491 with glycine.
Molecular consequence: missense variant.
Genome position (GRCh38, 1-based): chr2:21,012,397, T>C on the plus strand (A>G on the coding strand, the complement: APOB is on the minus strand). VCF-style: chr2-21012397-T-C. GRCh37 (hg19) VCF-style: chr2-21235269-T-C.
Other names: short protein forms R1491G.
Identifiers: ClinVar variation 1975167 (VCV001975167.3), dbSNP rs1558565733, ClinGen allele CA346006809.

ClinVar aggregate classification (germline): Uncertain significance (1 of 4 stars; one submission).

Conditions:
Familial hypobetalipoproteinemia 1. Also called: Hypobetalipoproteinemia, normotriglyceridemic; Acanthocytosis with hypobetalipoproteinemia; APOB-Related Familial Hypobetalipoproteinemia. Identifiers: MedGen C4551990, MONDO:0014252, OMIM 615558.
Hypercholesterolemia, autosomal dominant, type B (FHCL2). Also called: APOB-Related Familial Hypercholesterolemia, Autosomal Dominant; Familial Hypercholesterolemia Type B; APOLIPOPROTEIN B-100, FAMILIAL DEFECTIVE; APOLIPOPROTEIN B-100, FAMILIAL LIGAND-DEFECTIVE; HYPERCHOLESTEROLEMIA, FAMILIAL, DUE TO LIGAND-DEFECTIVE APOLIPOPROTEIN B; Familial hypercholesterolemia 2. Identifiers: MedGen C1704417, MONDO:0007751, OMIM 144010.

Submission:

Labcorp Genetics (formerly Invitae), Labcorp
Classification: Uncertain significance for Familial hypobetalipoproteinemia 1; Hypercholesterolemia, autosomal dominant, type B. Last evaluated: 2022-04-15. Review status: criteria provided, single submitter. Criteria: Invitae Variant Classification Sherloc (09022015). Collection method: clinical testing. Allele origin: germline.
Comment: This variant is not present in population databases (gnomAD no frequency). This sequence change replaces arginine, which is basic and polar, with glycine, which is neutral and non-polar, at codon 1491 of the APOB protein (p.Arg1491Gly). This variant has not been reported in the literature in individuals affected with APOB-related conditions. Algorithms developed to predict the effect of missense changes on protein structure and function output the following: SIFT: "Deleterious"; PolyPhen-2: "Benign"; Align-GVGD: "Class C0". The glycine amino acid residue is found in multiple mammalian species, which suggests that this missense change does not adversely affect protein function. In summary, the available evidence is currently insufficient to determine the role of this variant in disease. Therefore, it has been classified as a Variant of Uncertain Significance.